The following is an entry in ClinVar:

NM_006015.6(ARID1A):c.595C>T (p.Gln199Ter)

Gene: ARID1A (AT-rich interaction domain 1A; plus strand). Cytogenetic location: 1p36.11.
Variant type: single nucleotide variant.
Coding change: c.595C>T on transcript NM_006015.6 (MANE Select); coding-DNA position 595, C replaced by T.
Protein change: p.Gln199Ter; replaces glutamine 199 with a stop codon.
Molecular consequence: nonsense.
Genome position (GRCh38, 1-based): chr1:26,696,998, C>T. VCF-style: chr1-26696998-C-T. GRCh37 (hg19) VCF-style: chr1-27023489-C-T.
Other names: c.595C>T, p.Gln199Ter (NM_139135.4); short protein forms Q199*.
Identifiers: ClinVar variation 1320102 (VCV001320102.2), dbSNP rs2124742621, ClinGen allele CA339265738.

ClinVar aggregate classification (germline): Likely pathogenic. Review status: criteria provided, multiple submitters, no conflicts (2 of 4 stars). 2 submissions from 2 submitters: Likely pathogenic (2). Last evaluated 2023-08-22.

Conditions:
Intellectual disability, autosomal dominant 14 (CSS2). Also called: COFFIN-SIRIS SYNDROME 2. Identifiers: Orphanet 1465, MedGen C3553247, MONDO:0013819, OMIM 614607.
ARID1A-related disorder. Also called: ARID1A-related condition.

Submissions (2):

PreventionGenetics, part of Exact Sciences
Classification: Likely pathogenic for ARID1A-related condition. Last evaluated: 2023-08-22. Review status: criteria provided, single submitter. Criteria: ACMG Guidelines, 2015. Collection method: clinical testing. Allele origin: germline.
Comment: The ARID1A c.595C>T variant is predicted to result in premature protein termination (p.Gln199*). To our knowledge this variant has not been previously reported in literature and this variant has not been reported in a large population database, indicating this variant is rare. Nonsense variants in ARID1A are expected to be pathogenic. This variant is interpreted as likely pathogenic.

3billion
Classification: Likely pathogenic for Intellectual disability, autosomal dominant 14. Last evaluated: 2021-10-02. Review status: criteria provided, single submitter. Criteria: ACMG Guidelines, 2015. Collection method: clinical testing. Allele origin: unknown. Affected: yes. Observed: 1 heterozygote.
Comment: Stop-gained (nonsense): predicted to result in a loss or disruption of normal protein function through nonsense-mediated decay (NMD) or protein truncation. Multiple pathogenic variants are reported downstream of the variant (PVS1_VS). It is not observed in the gnomAD v2.1.1 dataset (PM2). Therefore, this variant is classified as likely pathogenic according to the recommendation of ACMG/AMP guideline.